The following is an entry in ClinVar:

NM_017986.4(SLC52A1):c.505C>T (p.Arg169Cys)

Gene: SLC52A1 (solute carrier family 52 member 1; minus strand). Cytogenetic location: 17p13.2.
Variant type: single nucleotide variant.
Coding change: c.505C>T on transcript NM_017986.4 (MANE Select); coding-DNA position 505, C replaced by T.
Protein change: p.Arg169Cys; replaces arginine 169 with cysteine.
Molecular consequence: missense variant.
Genome position (GRCh38, 1-based): chr17:5,033,984, G>A on the plus strand (C>T on the coding strand, the complement: SLC52A1 is on the minus strand). VCF-style: chr17-5033984-G-A. GRCh37 (hg19) VCF-style: chr17-4937279-G-A.
Other names: c.505C>T, p.Arg169Cys (NM_001104577.2); short protein forms R169C.
Identifiers: ClinVar variation 659118 (VCV000659118.10), dbSNP rs201198708, ClinGen allele CA8319777.
Genomic context (GRCh38, chr17:5,033,984, plus strand): 5'-CAGGGAAGTCGAGGGGAGGCCCAGAGGTGCCATTGGTGGGCGCTGGTGGGCACTCGAGGC[G>A]GCCCACACCTTGCACTAGGGCCAGCACACAGGGGAGTAGGGCACTGAGACCCTGACCCAG-3'
Protein context (NP_060456.3, residues 159-179): CVLALVQGVG[Arg169Cys]LECPPAPTNG

ClinVar aggregate classification (germline): Uncertain significance (1 of 4 stars; one submission).

Conditions:
Vitamin B2 deficiency. Identifiers: MedGen C0035528.

Allele frequency attached by ClinVar (database versions not stated): 1000 Genomes Project 30x 0.00016; 1000 Genomes Project 0.00020; ExAC 0.00005; gnomAD exomes 0.00005 and 0.00009; TOPMed 0.00006; gnomAD 0.00007.
gnomAD v4.1: 142 of 1,613,992 alleles (0.0088%); highest among the groups gnomAD compares: African/African-American, 0.012%; no homozygotes.

Submission:

Labcorp Genetics (formerly Invitae), Labcorp
Classification: Uncertain significance for Vitamin B2 deficiency. Last evaluated: 2025-07-21. Review status: criteria provided, single submitter. Criteria: Invitae Variant Classification Sherloc (09022015). Collection method: clinical testing. Allele origin: germline.
Comment: This sequence change replaces arginine, which is basic and polar, with cysteine, which is neutral and slightly polar, at codon 169 of the SLC52A1 protein (p.Arg169Cys). This variant is present in population databases (rs201198708, gnomAD 0.02%). This variant has not been reported in the literature in individuals affected with SLC52A1-related conditions. ClinVar contains an entry for this variant (Variation ID: 659118). Invitae Evidence Modeling of protein sequence and biophysical properties (such as structural, functional, and spatial information, amino acid conservation, physicochemical variation, residue mobility, and thermodynamic stability) indicates that this missense variant is not expected to disrupt SLC52A1 protein function with a negative predictive value of 80%. In summary, the available evidence is currently insufficient to determine the role of this variant in disease. Therefore, it has been classified as a Variant of Uncertain Significance.